The following is an entry in ClinVar:

ClinVar aggregate classification (germline): Uncertain significance (1 of 4 stars; one submission).

Conditions:
Glycogen storage disease IXb (GSD9B). Also called: PHOSPHORYLASE KINASE DEFICIENCY OF LIVER AND MUSCLE, AUTOSOMAL RECESSIVE; GLYCOGENOSIS OF LIVER AND MUSCLE, AUTOSOMAL RECESSIVE; GSD IXb. Identifiers: Orphanet 79240, MedGen C0543514, MONDO:0009868, OMIM 261750.

Submission:

Labcorp Genetics (formerly Invitae), Labcorp
Classification: Uncertain significance for Glycogen storage disease IXb. Last evaluated: 2025-08-18. Review status: criteria provided, single submitter. Criteria: Invitae Variant Classification Sherloc (09022015). Collection method: clinical testing. Allele origin: germline.
Comment: This sequence change replaces glutamine, which is neutral and polar, with glutamic acid, which is acidic and polar, at codon 191 of the PHKB protein (p.Gln191Glu). This variant is not present in population databases (gnomAD no frequency). This variant has not been reported in the literature in individuals affected with PHKB-related conditions. ClinVar contains an entry for this variant (Variation ID: 1349625). An algorithm developed to predict the effect of missense changes on protein structure and function (PolyPhen-2) suggests that this variant is likely to be tolerated. In summary, the available evidence is currently insufficient to determine the role of this variant in disease. Therefore, it has been classified as a Variant of Uncertain Significance.

NM_000293.3(PHKB):c.571C>G (p.Gln191Glu)

Gene: PHKB (phosphorylase kinase regulatory subunit beta; plus strand). Cytogenetic location: 16q12.1.
Variant type: single nucleotide variant.
Coding change: c.571C>G on transcript NM_000293.3 (MANE Select); coding-DNA position 571, C replaced by G.
Protein change: p.Gln191Glu; replaces glutamine 191 with glutamic acid.
Molecular consequence: missense variant.
Genome position (GRCh38, 1-based): chr16:47,515,578, C>G. VCF-style: chr16-47515578-C-G. GRCh37 (hg19) VCF-style: chr16-47549489-C-G.
Other names: c.550C>G, p.Gln184Glu (NM_001031835.3); c.571C>G, p.Gln191Glu (NM_001363837.1); short protein forms Q184E, Q191E.
Identifiers: ClinVar variation 1349625 (VCV001349625.8), dbSNP rs2151651796, ClinGen allele CA396100204.
Genomic context (GRCh38, chr16:47,515,578, plus strand): 5'-CAGATAAATGCAGTGTCACTTTATCTCCTTTACCTTGTGGAAATGATTTCCTCAGGACTC[C>G]AGATTATCTACAACACTGATGAGGTATGCTTTCCCCAAATTTTCTATTACTAAATTTCAC-3'
Protein context (NP_000284.1, residues 181-201): YLVEMISSGL[Gln191Glu]IIYNTDEVSF